The following is an entry in ClinVar:

ClinVar aggregate classification (germline): Uncertain significance (1 of 4 stars; one submission).

Submission:

GeneDx
Classification: Uncertain significance. Last evaluated: 2025-05-06. Review status: criteria provided, single submitter. Criteria: GeneDx Variant Classification Process June 2021. Collection method: clinical testing. Allele origin: germline. Affected: yes.
Comment: Not observed at significant frequency in large population cohorts (gnomAD); In silico analysis supports that this missense variant has a deleterious effect on protein structure/function; Has not been previously published as pathogenic or benign to our knowledge

NM_031475.3(ESPN):c.2351C>T (p.Ala784Val)

Gene: ESPN (espin; plus strand). Cytogenetic location: 1p36.31.
Variant type: single nucleotide variant.
Coding change: c.2351C>T on transcript NM_031475.3 (MANE Select); coding-DNA position 2351, C replaced by T.
Protein change: p.Ala784Val; replaces alanine 784 with valine.
Molecular consequence: missense variant.
Genome position (GRCh38, 1-based): chr1:6,457,209, C>T. VCF-style: chr1-6457209-C-T. GRCh37 (hg19) VCF-style: chr1-6517269-C-T.
Other names: c.2261C>T, p.Ala754Val (NM_001367473.1); c.2288C>T, p.Ala763Val (NM_001367474.1); short protein forms A754V, A763V, A784V.
Identifiers: ClinVar variation 4527466 (VCV004527466.1).